The following is an entry in ClinVar:

ClinVar aggregate classification (germline): Conflicting classifications of pathogenicity. Review status: criteria provided, conflicting classifications (1 of 4 stars). 2 submissions from 2 submitters: Uncertain significance (1); Likely benign (1). Last evaluated 2023-03-23.

Conditions:
Hereditary cancer-predisposing syndrome. Also called: Hereditary neoplastic syndrome; Tumor predisposition; Neoplastic Syndromes, Hereditary; Hereditary Cancer Syndrome. Identifiers: Orphanet 140162, MedGen C0027672, MeSH D009386, MONDO:0015356.

Submissions (2):

University of Washington Department of Laboratory Medicine, University of Washington
Classification: Likely benign for Hereditary cancer-predisposing syndrome. Last evaluated: 2023-03-23. Review status: criteria provided, single submitter. Criteria: Dines et al. (Genet Med. 2020). Collection method: curation. Allele origin: germline.
Comment: Missense variant in a coldspot region where missense variants are very unlikely to be pathogenic (PMID:31911673).

BRCA1 coldspot (exon 11 using historical exon numbering). Reclassification based on statistical prior probability

Sema4
Classification: Uncertain significance for Hereditary cancer-predisposing syndrome. Last evaluated: 2021-07-08. Review status: criteria provided, single submitter. Criteria: Sema4 Curation Guidelines. Collection method: curation. Allele origin: germline.
Comment: The BRCA1 c.1167T>A (p.S389R) variant has not been reported in the literature to our knowledge. This variant was not observed in the large and broad cohorts of the Genome Aggregation Database (PMID: 32461654). This variant has not been reported in ClinVar. In silico tools suggest the impact of the variant on protein function is inconclusive, though these predictions have not been confirmed by functional studies. The overall evidence is insufficient to meet ACMG/AMP criteria for classifying it as benign or pathogenic. In summary, the clinical significance of this variant is currently uncertain.

NM_007294.4(BRCA1):c.1167T>A (p.Ser389Arg)

Gene: BRCA1 (BRCA1 DNA repair associated; minus strand). Cytogenetic location: 17q21.31.
Variant type: single nucleotide variant.
Coding change: c.1167T>A on transcript NM_007294.4 (MANE Select); coding-DNA position 1167, T replaced by A.
Protein change: p.Ser389Arg; replaces serine 389 with arginine.
Molecular consequence: missense variant. On other transcripts: intron variant (137).
Genome position (GRCh38, 1-based): chr17:43,094,364, A>T on the plus strand (T>A on the coding strand, the complement: BRCA1 is on the minus strand). VCF-style: chr17-43094364-A-T. GRCh37 (hg19) VCF-style: chr17-41246381-A-T.
Other names: c.954T>A, p.Ser318Arg (NM_001407571.1, NM_001407853.1, NM_001407894.1 and 9 more transcripts); c.1167T>A, p.Ser389Arg (NM_001407581.1, NM_001407582.1, NM_001407583.1 and 30 more transcripts); c.1164T>A, p.Ser388Arg (NM_001407587.1, NM_001407590.1, NM_001407591.1 and 22 more transcripts); c.1158T>A, p.Ser386Arg (NM_001407646.1, NM_001407647.1); c.1044T>A, p.Ser348Arg (NM_001407648.1, NM_001407664.1, NM_001407665.1 and 19 more transcripts); c.1041T>A, p.Ser347Arg (NM_001407649.1, NM_001407670.1, NM_001407671.1 and 11 more transcripts); c.1089T>A, p.Ser363Arg (NM_001407653.1, NM_001407654.1, NM_001407655.1 and 4 more transcripts); c.1086T>A, p.Ser362Arg (NM_001407659.1, NM_001407660.1, NM_001407661.1 and 1 more transcripts); and 40 more; short protein forms S342R, S389R, S362R, S262R, S301R, S321R, S93R, S278R.
Identifiers: ClinVar variation 1692956 (VCV001692956.3), dbSNP rs2154472526, ClinGen allele CA10599718.